The following is an entry in ClinVar:

NM_001754.5(RUNX1):c.421T>G (p.Ser141Ala)

Genes: RUNX1-AS1 (RUNX1 antisense RNA 1; plus strand), RUNX1 (RUNX family transcription factor 1; minus strand). Cytogenetic location: 21q22.12.
Variant type: single nucleotide variant.
Coding change: c.421T>G on transcript NM_001754.5 (MANE Select); coding-DNA position 421, T replaced by G.
Protein change: p.Ser141Ala; replaces serine 141 with alanine.
Molecular consequence: missense variant.
Genome position (GRCh38, 1-based): chr21:34,880,644, A>C on the plus strand (T>G on the coding strand, the complement: RUNX1 is on the minus strand). VCF-style: chr21-34880644-A-C. GRCh37 (hg19) VCF-style: chr21-36252941-A-C.
Other names: NM_001754.5(RUNX1):c.421T>G; p.Ser141Ala; c.340T>G, p.Ser114Ala (NM_001001890.3, NM_001122607.2); short protein forms S141A, S114A.
Identifiers: ClinVar variation 566052 (VCV000566052.16), dbSNP rs1182543054, ClinGen allele CA410202644.

ClinVar aggregate classification (germline): Uncertain significance. Review status: reviewed by expert panel (3 of 4 stars). 6 submissions from 6 submitters: Uncertain significance (1). 5 of the submissions do not count toward it. Last evaluated 2024-08-12.

Conditions:
Hereditary thrombocytopenia and hematologic cancer predisposition syndrome. Identifiers: Orphanet 71290, MedGen CN281654, MONDO:0011071.
Acute myeloid leukemia (AML). Also called: Leukemia, acute myeloid, somatic; Leukemia, acute myelogenous, somatic; Acute myeloid leukemia, adult; AML adult; Acute non-lymphocytic leukemia; Acute granulocytic leukemia. Identifiers: Orphanet 519, MedGen C0023467, MeSH D015470, MONDO:0018874, OMIM 601626, HP:0004808. Disease mechanism: Constitutively activated FLT3.
Hereditary thrombocytopenia and hematological cancer predisposition syndrome associated with RUNX1. Also called: PLATELET DISORDER, ASPIRIN-LIKE; Familial thrombocytopenia with propensity to acute myelogenous leukemia; Familial Platelet Disorder with Propensity to Acute Myelogenous Leukemia; RUNX1 Familial Platelet Disorder with Associated Myeloid Malignancies. Identifiers: Orphanet 71290, MedGen C1832388, MeSH C563324, MONDO:0100083, OMIM 601399.
Inborn genetic diseases. Identifiers: MedGen C0950123, MeSH D030342.

Allele frequency attached by ClinVar (database versions not stated): gnomAD exomes below 0.00001 and 0.00004; gnomAD 0.00001; TOPMed 0.00001.
gnomAD v4.1: 55 of 1,614,026 alleles (0.0034%); highest among the groups gnomAD compares: Non-Finnish European, 0.0045%; no homozygotes.

Submissions (6):

ClinGen Myeloid Malignancy Variant Curation Expert Panel
Classification: Uncertain significance for Hereditary thrombocytopenia and hematologic cancer predisposition syndrome. Last evaluated: 2024-08-12. Review status: reviewed by expert panel. Criteria: ClinGen MyeloMalig ACMG Specifications v2. Collection method: curation. Allele origin: germline. Inheritance: Autosomal dominant inheritance.
Comment: NM_001754.5(RUNX1):c.421T>G (p.Ser141Ala) is a missense variant which has been reported in a mother-son pair with AML (PMID: 32315381 - Supplementary Data/PMID: 28855357 - Supplementary Table 2, and cited by PMID: 32208489 - Supplementary Table 1); however, PS4_supporting cannot be applied because there is >1 allele present in gnomAD (2/282806 alleles in v2 and 2/152176 alleles in v3) and PP1 cannot be applied due to insufficient number of meioses. This missense variant is located within the Runt Homology Domain (AA 89-204), but does not occur in an established hotspot residue (PM1_supporting). Biochemical/kinetic studies indicate that this variant has CBFβ-binding comparable to WT, but this assay alone does not meet the requirements for use by the ClinGen Myeloid Malignancy-VCEP. Similarly, the computational predictor REVEL gives a score of 0.851, which is neither above nor below the thresholds predicting a damaging or benign impact on RUNX1 function. In summary, this variant meets the criteria to be classified as VUS for hereditary thrombocytopenia and hematologic cancer predisposition syndrome based on the ACMG/AMP criteria applied, as specified by the ClinGen Myeloid Malignancy-VCEP: PM1_supporting.

Labcorp Genetics (formerly Invitae), Labcorp
Classification: Uncertain significance for Hereditary thrombocytopenia and hematological cancer predisposition syndrome associated with RUNX1. Last evaluated: 2025-11-03. Review status: criteria provided, single submitter. Criteria: Invitae Variant Classification Sherloc (09022015). Collection method: clinical testing. Allele origin: germline. Not counted in ClinVar's aggregate classification.
Comment: This sequence change replaces serine, which is neutral and polar, with alanine, which is neutral and non-polar, at codon 141 of the RUNX1 protein (p.Ser141Ala). This variant is present in population databases (no rsID available, gnomAD 0.002%). This missense change has been observed in individual(s) with acute myeloid leukemia (PMID: 32315381). ClinVar contains an entry for this variant (Variation ID: 566052). Invitae Evidence Modeling of protein sequence and biophysical properties (such as structural, functional, and spatial information, amino acid conservation, physicochemical variation, residue mobility, and thermodynamic stability) has been performed for this missense variant. However, the output from this modeling did not meet the statistical confidence thresholds required to predict the impact of this variant on RUNX1 protein function. In summary, the available evidence is currently insufficient to determine the role of this variant in disease. Therefore, it has been classified as a Variant of Uncertain Significance.

Ambry Genetics
Classification: Uncertain significance for Inborn genetic diseases. Last evaluated: 2025-04-03. Review status: criteria provided, single submitter. Criteria: Ambry Variant Classification Scheme 2023. Collection method: clinical testing. Allele origin: germline. Not counted in ClinVar's aggregate classification.
Comment: The p.S141A variant (also known as c.421T>G), located in coding exon 4 of the RUNX1 gene, results from a T to G substitution at nucleotide position 421. The serine at codon 141 is replaced by alanine, an amino acid with similar properties. This variant was reported in individual(s) with features consistent with RUNX1 familial platelet disorder with associated myeloid malignancies (Simon L et al. Blood, 2020 May;135:1882-1886). This amino acid position is highly conserved in available vertebrate species. In addition, this alteration is predicted to be deleterious by in silico analysis. Based on the available evidence, the clinical significance of this variant remains unclear.

Fulgent Genetics
Classification: Uncertain significance for Hereditary thrombocytopenia and hematological cancer predisposition syndrome associated with RUNX1; Acute myeloid leukemia. Last evaluated: 2024-06-17. Review status: criteria provided, single submitter. Criteria: ACMG Guidelines, 2015. Collection method: clinical testing. Allele origin: germline. Not counted in ClinVar's aggregate classification.

Baylor Genetics
Classification: Uncertain significance for Acute myeloid leukemia. Last evaluated: 2023-12-14. Review status: criteria provided, single submitter. Criteria: ACMG Guidelines, 2015. Collection method: clinical testing. Allele origin: unknown. Not counted in ClinVar's aggregate classification.

Blueprint Genetics
Classification: Uncertain significance. Last evaluated: 2023-09-29. Review status: criteria provided, single submitter. Criteria: ACMG Guidelines, 2015. Collection method: clinical testing. Allele origin: germline. Not counted in ClinVar's aggregate classification.

Literature cited by the submitters: PubMed 32315381 (cited by Labcorp Genetics (formerly Invitae), Labcorp and Ambry Genetics).